The following is an entry in ClinVar:

NM_000180.4(GUCY2D):c.296C>T (p.Ala99Val)

Gene: GUCY2D (guanylate cyclase 2D, retinal; plus strand). Cytogenetic location: 17p13.1.
Variant type: single nucleotide variant.
Coding change: c.296C>T on transcript NM_000180.4 (MANE Select); coding-DNA position 296, C replaced by T.
Protein change: p.Ala99Val; replaces alanine 99 with valine.
Molecular consequence: missense variant.
Genome position (GRCh38, 1-based): chr17:8,003,343, C>T. VCF-style: chr17-8003343-C-T. GRCh37 (hg19) VCF-style: chr17-7906661-C-T.
Other names: c.296C>T (NM_000180.3); short protein forms A99V.
Identifiers: ClinVar variation 1445426 (VCV001445426.8), dbSNP rs1567957056, ClinGen allele CA397943140.
Genomic context (GRCh38, chr17:8,003,343, plus strand): 5'-TGGCCGCCGCCCGCCTGAACCGCGACCCCGGCCTGGCAGGCGGTCCCCGCTTCGAGGTAG[C>T]GCTGCTGCCCGAGCCTTGCCGGACGCCGGGCTCGCTGGGGGCCGTGTCCTCCGCGCTGGC-3'
Protein context (NP_000171.1, residues 89-109): GLAGGPRFEV[Ala99Val]LLPEPCRTPG

ClinVar aggregate classification (germline): Uncertain significance. Review status: criteria provided, multiple submitters, no conflicts (2 of 4 stars). 4 submissions from 4 submitters: Uncertain significance (4). Last evaluated 2025-12-15.

Conditions:
Cone-rod dystrophy 6 (CORD6). Also called: Cone dystrophy progressive; RETINAL CONE DYSTROPHY 2. Identifiers: Orphanet 1872, MedGen C1866293, MONDO:0011143, OMIM 601777.
Leber congenital amaurosis 1 (LCA1). Also called: Congenital absence of the rods and cones; Leber's congenital tapetoretinal degeneration; Leber's congenital tapetoretinal dysplasia; AMAUROSIS CONGENITA OF LEBER I; RETINAL BLINDNESS, CONGENITAL. Identifiers: Orphanet 65, MedGen C2931258, MONDO:0008764, OMIM 204000.
Inborn genetic diseases. Identifiers: MedGen C0950123, MeSH D030342.

Allele frequency attached by ClinVar (database versions not stated): TOPMed below 0.00001; gnomAD 0.00001.

Submissions (4):

Women's Health and Genetics/Laboratory Corporation of America, LabCorp
Classification: Uncertain significance. Last evaluated: 2025-12-15. Review status: criteria provided, single submitter. Criteria: LabCorp Variant Classification Summary - May 2015. Collection method: clinical testing. Allele origin: germline.
Comment: Variant summary: GUCY2D c.296C>T (p.Ala99Val) results in a non-conservative amino acid change in the encoded protein sequence. Algorithms developed to predict the effect of missense changes on protein structure and function are either unavailable or do not agree on the potential impact of this missense change. The variant allele was found at a frequency of 6.8e-07 in 1472246 control chromosomes (gnomAD v4.1). The available data on variant occurrences in the general population are insufficient to allow any conclusion about variant significance. To our knowledge, no occurrence of c.296C>T in individuals affected with GUCY2D-related conditions and no experimental evidence demonstrating its impact on protein function have been reported. ClinVar contains an entry for this variant (Variation ID: 1445426). Based on the evidence outlined above, the variant was classified as uncertain significance.

Ambry Genetics
Classification: Uncertain significance for Inborn genetic diseases. Last evaluated: 2025-12-02. Review status: criteria provided, single submitter. Criteria: Ambry Variant Classification Scheme 2023. Collection method: clinical testing. Allele origin: germline.

Labcorp Genetics (formerly Invitae), Labcorp
Classification: Uncertain significance for Leber congenital amaurosis 1; Cone-rod dystrophy 6. Last evaluated: 2022-09-27. Review status: criteria provided, single submitter. Criteria: Invitae Variant Classification Sherloc (09022015). Collection method: clinical testing. Allele origin: germline.
Comment: This sequence change replaces alanine, which is neutral and non-polar, with valine, which is neutral and non-polar, at codon 99 of the GUCY2D protein (p.Ala99Val). This variant is not present in population databases (gnomAD no frequency). This variant has not been reported in the literature in individuals affected with GUCY2D-related conditions. ClinVar contains an entry for this variant (Variation ID: 1445426). Advanced modeling of protein sequence and biophysical properties (such as structural, functional, and spatial information, amino acid conservation, physicochemical variation, residue mobility, and thermodynamic stability) performed at Invitae indicates that this missense variant is not expected to disrupt GUCY2D protein function. In summary, the available evidence is currently insufficient to determine the role of this variant in disease. Therefore, it has been classified as a Variant of Uncertain Significance.

Blueprint Genetics
Classification: Uncertain significance. Last evaluated: 2020-05-22. Review status: criteria provided, single submitter. Criteria: ACMG Guidelines, 2015. Collection method: clinical testing. Allele origin: germline.